The following continues an entry in ClinVar:

NM_001035.3(RYR2):c.10680T>A (p.His3560Gln)

Gene: RYR2. ClinVar aggregate classification (germline): Uncertain significance. Uncertain significance (13).

Submissions 9 to 13 of 13:

Victorian Clinical Genetics Services, Murdoch Childrens Research Institute
Classification: Uncertain significance for Catecholaminergic polymorphic ventricular tachycardia 1. Last evaluated: 2021-05-06. Review status: criteria provided, single submitter. Criteria: ACMG Guidelines, 2015. Collection method: clinical testing. Allele origin: germline. Inheritance: Autosomal dominant inheritance.
Comment: Based on the classification scheme VCGS_Germline_v1.3.4, this variant is classified as 3C-VUS. Following criteria are met: 0103 - Dominant negative and gain of function are known mechanisms of disease in this gene and are associated with arrhythmogenic right ventricular dysplasia 2 (MIM#600996) and ventricular tachycardia, catecholaminergic polymorphic, 1 (CPVT) (MIM#604772) (PMID: 12459180, 27646203, 29477366). (I) 0107 - This gene is associated with autosomal dominant disease. (I) 0112 - The condition associated with this gene has incomplete penetrance (OMIM). (I) 0200 - Variant is predicted to result in a missense amino acid change from histidine to glutamine. (I) 0251 - This variant is heterozygous. (I) 0302 - Variant is present in gnomAD (v2) <0.001 for a dominant condition (16 heterozygotes, 0 homozygotes). (SP) 0501 - Missense variant consistently predicted to be damaging by multiple in silico tools or highly conserved with a major amino acid change. (SP) 0604 - Variant is not located in an established domain, motif, hotspot or informative constraint region. (I) 0705 - No comparable missense variants have previous evidence for pathogenicity. (I) 0809 - Previous evidence of pathogenicity for this variant is inconclusive. This variant has been previously reported as a VUS (ClinVar, PMID: 23861362) and has been observed once in the VCGS aortopathy cohort. (I) 0905 - No published segregation evidence has been identified for this variant. (I) 1007 - No published functional evidence has been identified for this variant. (I) 1208 - Inheritance information for this variant is not currently available in this individual. (I) Legend: (SP) - Supporting pathogenic, (I) - Information, (SB) - Supporting benign

ARUP Laboratories, Molecular Genetics and Genomics, ARUP Laboratories
Classification: Uncertain significance. Last evaluated: 2019-11-16. Review status: criteria provided, single submitter. Criteria: ARUP Molecular Germline Variant Investigation Process. Collection method: clinical testing. Allele origin: germline.
Comment: The RYR2 c.10680T>A; p.His3560Gln variant (rs727503404), to our knowledge, is not reported in the medical literature or gene specific databases. This variant is found in the general population with an overall allele frequency of 0.006 % (16/ 279,974 alleles) in the Genome Aggregation Database. The histidine at codon 3560 is highly conserved, but computational analyses (SIFT: tolerated PolyPhen-2: probably damaging) predict conflicting effects of this variant on protein structure / function. Due to limited information, the clinical significance of the p.His3560Gln variant is uncertain at this time.

CHEO Genetics Diagnostic Laboratory, Children's Hospital of Eastern Ontario
Classification: Uncertain significance for Cardiomyopathy. Last evaluated: 2019-03-13. Review status: criteria provided, single submitter. Criteria: ACMG Guidelines, 2015. Collection method: clinical testing. Allele origin: germline.

Laboratory for Molecular Medicine, Mass General Brigham Personalized Medicine
Classification: Uncertain significance. Last evaluated: 2014-03-12. Review status: criteria provided, single submitter. Criteria: LMM Criteria. Collection method: clinical testing. Allele origin: germline. Observed: 3 variant alleles.
Comment: It has also been detected in 1/948 chromosomes in a cohort that was not selected for cardiomyopathy by the ClinSeq study (Ng 2013). The affected ami no acid is conserved in evolution, suggesting that a change would not be tolerat ed. Other computational analyses do not provide strong support for or against a n impact to the protein. Additional information is needed to fully assess the cl inical significance of this variant.

Biesecker Lab/Clinical Genomics Section, National Institutes of Health
Classification: Uncertain significance. Last evaluated: 2013-06-24. Review status: criteria provided, single submitter. Criteria: Ng et al. (Circ Cardiovasc Genet. 2013). Collection method: research. Allele origin: unknown. Observed: 1 variant allele. Study: ClinSeq.
Comment: The study set was not selected for affection status in relation to any cancer. Pathogenicity categories were based on literature curation. See Pubmed ID:23861362 for details.

Medical sequencing

Literature cited by the submitters: PubMed 31112425 (cited by Labcorp Genetics (formerly Invitae), Labcorp and Women's Health and Genetics/Laboratory Corporation of America, LabCorp); PubMed 12459180 (cited by Victorian Clinical Genetics Services, Murdoch Childrens Research Institute); PubMed 23861362 (cited by Victorian Clinical Genetics Services, Murdoch Childrens Research Institute); PubMed 27646203 (cited by Victorian Clinical Genetics Services, Murdoch Childrens Research Institute); PubMed 29477366 (cited by Victorian Clinical Genetics Services, Murdoch Childrens Research Institute).